The following is an entry in ClinVar:

NM_144670.6(A2ML1):c.576dup (p.Leu193fs)

Gene: A2ML1 (alpha-2-macroglobulin like 1; plus strand). Cytogenetic location: 12p13.31.
Variant type: Duplication.
Coding change: c.576dup on transcript NM_144670.6 (MANE Select); coding-DNA position 576, one base duplicated (G; older notation c.576dupG).
Protein change: p.Leu193fs; shifts the reading frame from leucine 193.
Molecular consequence: frameshift variant.
Genome position (GRCh38, 1-based): chr12:8,835,599, G duplicated. VCF-style (leftmost placement, unchanged base first): chr12-8835598-T-TG. GRCh37 (hg19) VCF-style: chr12-8988194-T-TG.
Other names: short protein forms L193fs.
Identifiers: ClinVar variation 4747337 (VCV004747337.1).
Genomic context (GRCh38, chr12:8,835,598, plus strand): 5'-TGGAAGTGGTACCTGAGCAAGGCATTGTAGACCTGTCCTTCCAACTGGCACCAGAGGCAA[T>TG]GCTGGGCACCTACACTGTGGCAGTGGCTGAGGGCAAGACCTTTGGTACTTTCAGTGTGGA-3'

ClinVar aggregate classification (germline): Uncertain significance (1 of 4 stars; one submission).

Submission:

Labcorp Genetics (formerly Invitae), Labcorp
Classification: Uncertain significance. Last evaluated: 2025-11-26. Review status: criteria provided, single submitter. Criteria: Invitae Variant Classification Sherloc (09022015). Collection method: clinical testing. Allele origin: germline.
Comment: This sequence change creates a premature translational stop signal (p.Leu193Alafs*10) in the A2ML1 gene. It is expected to result in an absent or disrupted protein product. However, the current clinical and genetic evidence is not sufficient to establish whether loss-of-function variants in A2ML1 cause disease. This variant is present in population databases (no rsID available, gnomAD 0.002%). This variant has not been reported in the literature in individuals affected with A2ML1-related conditions. Algorithms developed to predict the effect of sequence changes on RNA splicing suggest that this variant may disrupt the consensus splice site. In summary, the available evidence is currently insufficient to determine the role of this variant in disease. Therefore, it has been classified as a Variant of Uncertain Significance.